The following is an entry in ClinVar:

NM_002907.4(RECQL):c.175A>C (p.Asn59His)

Gene: RECQL (RecQ like helicase; minus strand). Cytogenetic location: 12p12.1.
Variant type: single nucleotide variant.
Coding change: c.175A>C on transcript NM_002907.4 (MANE Select); coding-DNA position 175, A replaced by C.
Protein change: p.Asn59His; replaces asparagine 59 with histidine.
Molecular consequence: missense variant.
Genome position (GRCh38, 1-based): chr12:21,491,558, T>G on the plus strand (A>C on the coding strand, the complement: RECQL is on the minus strand). VCF-style: chr12-21491558-T-G. GRCh37 (hg19) VCF-style: chr12-21644492-T-G.
Other names: c.175A>C, p.Asn59His (NM_032941.3); short protein forms N59H.
Identifiers: ClinVar variation 3431809 (VCV003431809.1).

ClinVar aggregate classification (germline): Uncertain significance (1 of 4 stars; one submission).

Submission:

Ambry Genetics
Classification: Uncertain significance. Last evaluated: 2024-10-17. Review status: criteria provided, single submitter. Criteria: Ambry Variant Classification Scheme 2023. Collection method: clinical testing. Allele origin: germline.
Comment: The p.N59H variant (also known as c.175A>C), located in coding exon 2 of the RECQL gene, results from an A to C substitution at nucleotide position 175. The asparagine at codon 59 is replaced by histidine, an amino acid with similar properties. This amino acid position is conserved. In addition, this alteration is predicted to be tolerated by in silico analysis. Based on the available evidence, the clinical significance of this variant remains unclear.